The following is an entry in ClinVar:

ClinVar aggregate classification (germline): Uncertain significance (1 of 4 stars; one submission).

Submission:

Labcorp Genetics (formerly Invitae), Labcorp
Classification: Uncertain significance. Last evaluated: 2021-07-05. Review status: criteria provided, single submitter. Criteria: Invitae Variant Classification Sherloc (09022015). Collection method: clinical testing. Allele origin: germline.
Comment: This sequence change falls in intron 59 of the USH2A gene. It does not directly change the encoded amino acid sequence of the USH2A protein. This variant is not present in population databases (ExAC no frequency). This variant has not been reported in the literature in individuals affected with USH2A-related conditions. Algorithms developed to predict the effect of sequence changes on RNA splicing suggest that this variant may disrupt the consensus splice site. In summary, the available evidence is currently insufficient to determine the role of this variant in disease. Therefore, it has been classified as a Variant of Uncertain Significance.

NM_206933.4(USH2A):c.11549-5T>C

Gene: USH2A (usherin; minus strand). Cytogenetic location: 1q41.
Variant type: single nucleotide variant.
Coding change: c.11549-5T>C on transcript NM_206933.4 (MANE Select); 5 bases into the intron before coding-DNA position 11549, T replaced by C.
Molecular consequence: intron variant.
Genome position (GRCh38, 1-based): chr1:215,741,542, A>G on the plus strand (T>C on the coding strand, the complement: USH2A is on the minus strand). VCF-style: chr1-215741542-A-G. GRCh37 (hg19) VCF-style: chr1-215914884-A-G.
Identifiers: ClinVar variation 1899023 (VCV001899023.5), dbSNP rs1558077693, ClinGen allele CA1220402040.